The following is an entry in ClinVar:

NM_181486.4(TBX5):c.260A>G (p.Tyr87Cys)

Gene: TBX5 (T-box transcription factor 5; minus strand). Cytogenetic location: 12q24.21.
Variant type: single nucleotide variant.
Coding change: c.260A>G on transcript NM_181486.4 (MANE Select); coding-DNA position 260, A replaced by G.
Protein change: p.Tyr87Cys; replaces tyrosine 87 with cysteine.
Molecular consequence: missense variant.
Genome position (GRCh38, 1-based): chr12:114,399,615, T>C on the plus strand (A>G on the coding strand, the complement: TBX5 is on the minus strand). VCF-style: chr12-114399615-T-C. GRCh37 (hg19) VCF-style: chr12-114837420-T-C.
Other names: c.260A>G, p.Tyr87Cys (NM_000192.3); c.110A>G, p.Tyr37Cys (NM_080717.4); short protein forms Y87C, Y37C.
Identifiers: ClinVar variation 264346 (VCV000264346.13), dbSNP rs886039131, ClinGen allele CA10587737.

ClinVar aggregate classification (germline): Uncertain significance. Review status: criteria provided, multiple submitters, no conflicts (2 of 4 stars). 2 submissions from 2 submitters: Uncertain significance (2). Last evaluated 2020-03-02.

Conditions:
Cardiovascular phenotype. Identifiers: MedGen CN230736.
Aortic valve disease 2 (AOVD2). Identifiers: MedGen C3542024, MONDO:0013902, OMIM 614823.

Allele frequency attached by ClinVar (database versions not stated): gnomAD exomes below 0.00001; TOPMed 0.00001.
gnomAD v4.1: 4 of 1,614,096 alleles (0.00025%); highest among the groups gnomAD compares: South Asian, 0.0033%; no homozygotes.

Submissions (2):

Labcorp Genetics (formerly Invitae), Labcorp
Classification: Uncertain significance for Aortic valve disease 2. Last evaluated: 2020-03-02. Review status: criteria provided, single submitter. Criteria: Invitae Variant Classification Sherloc (09022015). Collection method: clinical testing. Allele origin: germline.
Comment: In summary, the available evidence is currently insufficient to determine the role of this variant in disease. Therefore, it has been classified as a Variant of Uncertain Significance. Algorithms developed to predict the effect of missense changes on protein structure and function are either unavailable or do not agree on the potential impact of this missense change (SIFT: "Deleterious"; PolyPhen-2: "Possibly Damaging"; Align-GVGD: "Class C0"). This variant has not been reported in the literature in individuals with TBX5-related conditions. ClinVar contains an entry for this variant (Variation ID: 264346). This variant is not present in population databases (ExAC no frequency). This sequence change replaces tyrosine with cysteine at codon 87 of the TBX5 protein (p.Tyr87Cys). The tyrosine residue is moderately conserved and there is a large physicochemical difference between tyrosine and cysteine.

Ambry Genetics
Classification: Uncertain significance for Cardiovascular phenotype. Last evaluated: 2015-11-05. Review status: criteria provided, single submitter. Criteria: Ambry Variant Classification Scheme 2023. Collection method: clinical testing. Allele origin: germline.
Comment: The p.Y87C variant (also known as c.260A>G), located in coding exon 3 of the TBX5 gene, results from an A to G substitution at nucleotide position 260. The tyrosine at codon 87 is replaced by cysteine, an amino acid with highly dissimilar properties. This variant was not reported in population based cohorts in the following databases: Database of Single Nucleotide Polymorphisms (dbSNP), NHLBI Exome Sequencing Project (ESP), and 1000 Genomes Project. In the ESP, this variant was not observed in 6503 samples (13006 alleles) with coverage at this position. This amino acid position is not well conserved in available vertebrate species. In addition, the in silico prediction for this alteration is inconclusive. Since supporting evidence is limited at this time, the clinical significance of this variant remains unclear.